The following is an entry in ClinVar:

ClinVar aggregate classification (germline): Uncertain significance (1 of 4 stars; one submission).

Conditions:
Spermatogenic failure 3 (SPGF3). Identifiers: Orphanet 276234, MedGen C4721889, MONDO:0011720, OMIM 606766.

Submission:

Juno Genomics, Hangzhou Juno Genomics, Inc
Classification: Uncertain significance for Spermatogenic failure 3. Review status: criteria provided, single submitter. Criteria: ACMG Guidelines, 2015. Collection method: clinical testing. Allele origin: germline.
Comment: Absent from controls (or at extremely low frequency if recessive) in Genome Aggregation Database.

NM_052961.4(SLC26A8):c.1699del (p.Val567fs)

Gene: SLC26A8 (solute carrier family 26 member 8; minus strand). Cytogenetic location: 6p21.31.
Variant type: Deletion.
Coding change: c.1699del on transcript NM_052961.4 (MANE Select); coding-DNA position 1699, one base deleted (G; older notation c.1699delG).
Protein change: p.Val567fs; shifts the reading frame from valine 567.
Molecular consequence: frameshift variant.
Genome position (GRCh38, 1-based): chr6:35,959,746, C deleted on the plus strand (G on the coding strand, the reverse complement: SLC26A8 is on the minus strand). VCF-style (leftmost placement, unchanged base first): chr6-35959745-AC-A. GRCh37 (hg19) VCF-style: chr6-35927522-AC-A.
Other names: c.1699del, p.Val567fs (NM_001193476.2); c.1384del, p.Val462fs (NM_138718.3); short protein forms V462fs, V567fs.
Identifiers: ClinVar variation 5007046 (VCV005007046.2).